The following is an entry in ClinVar:

ClinVar aggregate classification (germline): Likely benign. Review status: criteria provided, multiple submitters, no conflicts (2 of 4 stars). 2 submissions from 2 submitters: Likely benign (2). Last evaluated 2026-07-10.

Conditions:
NPRL3-related disorder. Also called: NPRL3-related condition.
Epilepsy, familial focal, with variable foci 3 (FFEVF3). Identifiers: MedGen C4310708, MONDO:0014925, OMIM 617118.

Allele frequency attached by ClinVar (database versions not stated): gnomAD exomes 0.00002; gnomAD 0.00004 and 0.00005; TOPMed 0.00004; ExAC 0.00006.
gnomAD v4.1: 15 of 1,591,594 alleles (0.00094%); highest among the groups gnomAD compares: African/African-American, 0.012%; no homozygotes.

Submissions (2):

PreventionGenetics, part of Exact Sciences
Classification: Likely benign for NPRL3-related condition. Last evaluated: 2026-07-10. Review status: criteria provided, single submitter. Criteria: ACMG Guidelines, 2015. Collection method: clinical testing. Allele origin: germline.
Comment: This variant is classified as likely benign based on ACMG/AMP sequence variant interpretation guidelines (Richards et al. 2015 PMID: 25741868, with internal and published modifications).

Labcorp Genetics (formerly Invitae), Labcorp
Classification: Likely benign for Epilepsy, familial focal, with variable foci 3. Last evaluated: 2025-03-23. Review status: criteria provided, single submitter. Criteria: Invitae Variant Classification Sherloc (09022015). Collection method: clinical testing. Allele origin: germline.

NM_001077350.3(NPRL3):c.118+7G>A

Genes: HBA-LCR (alpha-globin locus control region; plus strand), NPRL3 (NPR3 like, GATOR1 complex subunit; minus strand). Cytogenetic location: 16p13.3.
Variant type: single nucleotide variant.
Coding change: c.118+7G>A on transcript NM_001077350.3 (MANE Select); 7 bases into the intron after coding-DNA position 118, G replaced by A.
Molecular consequence: intron variant.
Genome position (GRCh38, 1-based): chr16:138,143, C>T on the plus strand (G>A on the coding strand, the complement: NPRL3 is on the minus strand). VCF-style: chr16-138143-C-T. GRCh37 (hg19) VCF-style: chr16-188142-C-T.
Other names: c.118+7G>A (NM_001077350.2, NM_001243248.2, NM_001243249.2); c.-254+7G>A (NM_001243247.2); c.-215+7G>A (NM_001039476.3).
Identifiers: ClinVar variation 1114800 (VCV001114800.10), dbSNP rs753617978, ClinGen allele CA7769797.